The following is an entry in ClinVar:

NM_006269.2(RP1):c.4831C>T (p.Pro1611Ser)

Gene: RP1 (RP1 axonemal microtubule associated; plus strand). Cytogenetic location: 8q12.1.
Variant type: single nucleotide variant.
Coding change: c.4831C>T on transcript NM_006269.2 (MANE Select); coding-DNA position 4831, C replaced by T.
Protein change: p.Pro1611Ser; replaces proline 1611 with serine.
Molecular consequence: missense variant. On other transcripts: intron variant (1).
Genome position (GRCh38, 1-based): chr8:54,628,713, C>T. VCF-style: chr8-54628713-C-T. GRCh37 (hg19) VCF-style: chr8-55541273-C-T.
Other names: c.787+6425C>T (NM_001375654.1); short protein forms P1611S.
Identifiers: ClinVar variation 2981281 (VCV002981281.3), dbSNP rs201519839, ClinGen allele CA4751954.

ClinVar aggregate classification (germline): Uncertain significance (1 of 4 stars; one submission).

Allele frequency attached by ClinVar (database versions not stated): ESP Exome Variant Server 0.00008.
gnomAD v4.1: 2 of 1,614,030 alleles (0.00012%); highest among the groups gnomAD compares: Non-Finnish European, 0.000085%; no homozygotes.

Submission:

Labcorp Genetics (formerly Invitae), Labcorp
Classification: Uncertain significance. Last evaluated: 2023-12-07. Review status: criteria provided, single submitter. Criteria: Invitae Variant Classification Sherloc (09022015). Collection method: clinical testing. Allele origin: germline.
Comment: This sequence change replaces proline, which is neutral and non-polar, with serine, which is neutral and polar, at codon 1611 of the RP1 protein (p.Pro1611Ser). This variant is present in population databases (rs201519839, gnomAD 0.007%). This variant has not been reported in the literature in individuals affected with RP1-related conditions. Algorithms developed to predict the effect of missense changes on protein structure and function output the following: SIFT: "Not Available"; PolyPhen-2: "Benign"; Align-GVGD: "Not Available". The serine amino acid residue is found in multiple mammalian species, which suggests that this missense change does not adversely affect protein function. In summary, the available evidence is currently insufficient to determine the role of this variant in disease. Therefore, it has been classified as a Variant of Uncertain Significance.